The following is an entry in ClinVar:

ClinVar aggregate classification (germline): Uncertain significance (1 of 4 stars; one submission).

Allele frequency attached by ClinVar (database versions not stated): gnomAD exomes below 0.00001; gnomAD 0.00001; TOPMed 0.00001.

Submission:

Labcorp Genetics (formerly Invitae), Labcorp
Classification: Uncertain significance. Last evaluated: 2024-05-15. Review status: criteria provided, single submitter. Criteria: Invitae Variant Classification Sherloc (09022015). Collection method: clinical testing. Allele origin: germline.
Comment: This sequence change replaces glutamic acid, which is acidic and polar, with lysine, which is basic and polar, at codon 198 of the SON protein (p.Glu198Lys). This variant is present in population databases (no rsID available, gnomAD 0.008%). This variant has not been reported in the literature in individuals affected with SON-related conditions. ClinVar contains an entry for this variant (Variation ID: 2180653). An algorithm developed to predict the effect of missense changes on protein structure and function (PolyPhen-2) suggests that this variant is likely to be disruptive. In summary, the available evidence is currently insufficient to determine the role of this variant in disease. Therefore, it has been classified as a Variant of Uncertain Significance.

NM_138927.4(SON):c.592G>A (p.Glu198Lys)

Gene: SON (SON DNA and RNA binding protein; plus strand). Cytogenetic location: 21q22.11.
Variant type: single nucleotide variant.
Coding change: c.592G>A on transcript NM_138927.4 (MANE Select); coding-DNA position 592, G replaced by A.
Protein change: p.Glu198Lys; replaces glutamic acid 198 with lysine.
Molecular consequence: missense variant. On other transcripts: non-coding transcript variant (1), intron variant (1).
Genome position (GRCh38, 1-based): chr21:33,549,823, G>A. VCF-style: chr21-33549823-G-A. GRCh37 (hg19) VCF-style: chr21-34922129-G-A.
Other names: c.592G>A, p.Glu198Lys (NM_001291411.2, NM_001412133.1, NM_032195.3 and 2 more transcripts); c.244+3444G>A (NM_001291412.3); short protein forms E198K.
Identifiers: ClinVar variation 2180653 (VCV002180653.4), dbSNP rs1433548155, ClinGen allele CA410151646.